The following is an entry in ClinVar:

ClinVar aggregate classification (germline): Uncertain significance (1 of 4 stars; one submission).

Conditions:
Hereditary cancer-predisposing syndrome. Also called: Neoplastic Syndromes, Hereditary; Tumor predisposition; Hereditary Cancer Syndrome; Hereditary neoplastic syndrome. Identifiers: Orphanet 140162, MedGen C0027672, MeSH D009386, MONDO:0015356.

Submission:

Ambry Genetics
Classification: Uncertain significance for Hereditary cancer-predisposing syndrome. Last evaluated: 2021-09-12. Review status: criteria provided, single submitter. Criteria: Ambry Variant Classification Scheme 2023. Collection method: clinical testing. Allele origin: germline.
Comment: The p.F1366C variant (also known as c.4097T>G), located in coding exon 32 of the POLE gene, results from a T to G substitution at nucleotide position 4097. The phenylalanine at codon 1366 is replaced by cysteine, an amino acid with highly dissimilar properties. This amino acid position is conserved. In addition, this alteration is predicted to be deleterious by in silico analysis. Since supporting evidence is limited at this time, the clinical significance of this alteration remains unclear.

NM_006231.4(POLE):c.4097T>G (p.Phe1366Cys)

Gene: POLE (DNA polymerase epsilon, catalytic subunit; minus strand). Cytogenetic location: 12q24.33.
Variant type: single nucleotide variant.
Coding change: c.4097T>G on transcript NM_006231.4 (MANE Select); coding-DNA position 4097, T replaced by G.
Protein change: p.Phe1366Cys; replaces phenylalanine 1366 with cysteine.
Molecular consequence: missense variant.
Genome position (GRCh38, 1-based): chr12:132,648,981, A>C on the plus strand (T>G on the coding strand, the complement: POLE is on the minus strand). VCF-style: chr12-132648981-A-C. GRCh37 (hg19) VCF-style: chr12-133225567-A-C.
Other names: short protein forms F1366C.
Identifiers: ClinVar variation 1737782 (VCV001737782.2), dbSNP rs2138597477, ClinGen allele CA387383734.
Genomic context (GRCh38, chr12:132,648,981, plus strand): 5'-CTCCCTACCTTGCGATACGAAGCACCCTCCTCCGCTTTAGCGACTCGCTGGTTCACGTAG[A>C]ACACACGGGGGATGCTCAGCCTGATGCAGTGCAAGTCACTGCCAACGAGCGCCCACAGCC-3'
Protein context (NP_006222.2, residues 1356-1376): HCIRLSIPRV[Phe1366Cys]YVNQRVAKAE